The following is an entry in ClinVar:

ClinVar aggregate classification (germline): Pathogenic (1 of 4 stars; one submission).

Conditions:
Familial hypobetalipoproteinemia 1. Also called: APOB-Related Familial Hypobetalipoproteinemia; Hypobetalipoproteinemia, normotriglyceridemic; Acanthocytosis with hypobetalipoproteinemia. Identifiers: MedGen C4551990, MONDO:0014252, OMIM 615558.
Hypercholesterolemia, autosomal dominant, type B (FHCL2). Also called: Familial Hypercholesterolemia Type B; APOLIPOPROTEIN B-100, FAMILIAL DEFECTIVE; APOLIPOPROTEIN B-100, FAMILIAL LIGAND-DEFECTIVE; HYPERCHOLESTEROLEMIA, FAMILIAL, DUE TO LIGAND-DEFECTIVE APOLIPOPROTEIN B; Hyperlipoproteinemia Type IIb; Familial hypercholesterolemia 2. Identifiers: MedGen C1704417, MONDO:0007751, OMIM 144010.

Submission:

Labcorp Genetics (formerly Invitae), Labcorp
Classification: Pathogenic for Familial hypobetalipoproteinemia 1; Hypercholesterolemia, autosomal dominant, type B. Last evaluated: 2023-05-24. Review status: criteria provided, single submitter. Criteria: Invitae Variant Classification Sherloc (09022015). Collection method: clinical testing. Allele origin: germline.
Comment: For these reasons, this variant has been classified as Pathogenic. This variant has not been reported in the literature in individuals affected with APOB-related conditions. This variant is not present in population databases (gnomAD no frequency). This sequence change creates a premature translational stop signal (p.Lys3097Asnfs*19) in the APOB gene. It is expected to result in an absent or disrupted protein product. Loss-of-function variants in APOB are known to be pathogenic (PMID: 20032471).

Literature cited by the submitters: PubMed 20032471.

NM_000384.3(APOB):c.9291del (p.Lys3097fs)

Gene: APOB (apolipoprotein B; minus strand). Cytogenetic location: 2p24.1.
Variant type: Deletion.
Coding change: c.9291del on transcript NM_000384.3 (MANE Select); coding-DNA position 9291, one base deleted (G; older notation c.9291delG).
Protein change: p.Lys3097fs; shifts the reading frame from lysine 3097.
Molecular consequence: frameshift variant.
Genome position (GRCh38, 1-based): chr2:21,007,577, C deleted on the plus strand (G on the coding strand, the reverse complement: APOB is on the minus strand). VCF-style (leftmost placement, unchanged base first): chr2-21007576-AC-A. GRCh37 (hg19) VCF-style: chr2-21230448-AC-A.
Other names: short protein forms K3097fs.
Identifiers: ClinVar variation 2948178 (VCV002948178.3), dbSNP rs2465363561, ClinGen allele CA2740092726.